The following is an entry in ClinVar:

NM_006944.3(SPP2):c.84A>C (p.Ser28=)

Gene: SPP2 (secreted phosphoprotein 2; plus strand). Cytogenetic location: 2q37.1.
Variant type: single nucleotide variant.
Coding change: c.84A>C on transcript NM_006944.3 (MANE Select); coding-DNA position 84, A replaced by C.
Protein change: p.Ser28=; no amino-acid change (serine 28 retained).
Molecular consequence: synonymous variant.
Genome position (GRCh38, 1-based): chr2:234,050,870, A>C. VCF-style: chr2-234050870-A-C. GRCh37 (hg19) VCF-style: chr2-234959514-A-C.
Identifiers: ClinVar variation 4714735 (VCV004714735.1).

ClinVar aggregate classification (germline): Uncertain significance (1 of 4 stars; one submission).

Submission:

Labcorp Genetics (formerly Invitae), Labcorp
Classification: Uncertain significance. Last evaluated: 2025-03-12. Review status: criteria provided, single submitter. Criteria: Invitae Variant Classification Sherloc (09022015). Collection method: clinical testing. Allele origin: germline.
Comment: This sequence change affects codon 28 of the SPP2 mRNA. It is a 'silent' change, meaning that it does not change the encoded amino acid sequence of the SPP2 protein. It affects a nucleotide within the consensus splice site. This variant is not present in population databases (gnomAD no frequency). This variant has not been reported in the literature in individuals affected with SPP2-related conditions. Algorithms developed to predict the effect of sequence changes on RNA splicing suggest that this variant is not likely to affect RNA splicing. In summary, the available evidence is currently insufficient to determine the role of this variant in disease. Therefore, it has been classified as a Variant of Uncertain Significance.